The following is an entry in ClinVar:

ClinVar aggregate classification (germline): Uncertain significance. Review status: criteria provided, multiple submitters, no conflicts (2 of 4 stars). 3 submissions from 3 submitters: Uncertain significance (3). Last evaluated 2024-10-23.

Conditions:
Epilepsy, familial focal, with variable foci 1 (FFEVF1). Also called: DEPDC5-Related Epilepsy. Identifiers: MedGen C4551983, MONDO:0024556, OMIM 604364.

Submissions (3):

GeneDx
Classification: Uncertain significance. Last evaluated: 2024-10-23. Review status: criteria provided, single submitter. Criteria: GeneDx Variant Classification Process June 2021. Collection method: clinical testing. Allele origin: germline. Affected: yes.
Comment: Last nucleotide of the exon variant in a gene for which loss of function is a known mechanism of disease, and both splice predictors and evolutionary conservation support a deleterious effect, although in the absence of functional evidence the actual effect of this sequence change is unknown.; Not observed at significant frequency in large population cohorts (gnomAD); Has not been previously published as pathogenic or benign to our knowledge

Institute of Human Genetics, University of Leipzig Medical Center
Classification: Uncertain significance for Epilepsy, familial focal, with variable foci 1. Last evaluated: 2024-06-17. Review status: criteria provided, single submitter. Criteria: ACMG Guidelines, 2015. Collection method: clinical testing. Allele origin: unknown. Affected: yes.
Comment: Criteria applied: PM2_SUP,PP3

Blueprint Genetics
Classification: Uncertain significance. Last evaluated: 2022-08-31. Review status: criteria provided, single submitter. Criteria: ACMG Guidelines, 2015. Collection method: clinical testing. Allele origin: germline.

NM_001077350.3(NPRL3):c.393G>A (p.Arg131=)

Genes: HBA-LCR (alpha-globin locus control region; plus strand), NPRL3 (NPR3 like, GATOR1 complex subunit; minus strand). Cytogenetic location: 16p13.3.
Variant type: single nucleotide variant.
Coding change: c.393G>A on transcript NM_001077350.3 (MANE Select); coding-DNA position 393, G replaced by A.
Protein change: p.Arg131=; no amino-acid change (arginine 131 retained).
Molecular consequence: synonymous variant. On other transcripts: intron variant (3).
Genome position (GRCh38, 1-based): chr16:117,301, C>T on the plus strand (G>A on the coding strand, the complement: NPRL3 is on the minus strand). VCF-style: chr16-117301-C-T. GRCh37 (hg19) VCF-style: chr16-167300-C-T.
Other names: c.393G>A (NM_001077350.2); c.159G>A, p.Arg53= (NM_001243247.2); c.318+1825G>A (NM_001243248.2, NM_001243249.2); c.-144-4526G>A (NM_001039476.3).
Identifiers: ClinVar variation 3358980 (VCV003358980.4).